The following is an entry in ClinVar:

ClinVar aggregate classification (germline): Uncertain significance. Review status: criteria provided, multiple submitters, no conflicts (2 of 4 stars). 2 submissions from 2 submitters: Uncertain significance (2). Last evaluated 2022-07-01.

Conditions:
Tuberous sclerosis 2 (TSC2). Identifiers: Orphanet 805, MedGen C1860707, MONDO:0013199, OMIM 613254.
Hereditary cancer-predisposing syndrome. Also called: Hereditary neoplastic syndrome; Neoplastic Syndromes, Hereditary; Hereditary Cancer Syndrome; Tumor predisposition. Identifiers: Orphanet 140162, MedGen C0027672, MeSH D009386, MONDO:0015356.

gnomAD v4.1: 1 of 1,614,172 alleles (0.000062%); highest among the groups gnomAD compares: Non-Finnish European, 0.000085%; no homozygotes.

Submissions (2):

Labcorp Genetics (formerly Invitae), Labcorp
Classification: Uncertain significance for Tuberous sclerosis 2. Last evaluated: 2022-07-01. Review status: criteria provided, single submitter. Criteria: Invitae Variant Classification Sherloc (09022015). Collection method: clinical testing. Allele origin: germline.
Comment: In summary, the available evidence is currently insufficient to determine the role of this variant in disease. Therefore, it has been classified as a Variant of Uncertain Significance. Advanced modeling of protein sequence and biophysical properties (such as structural, functional, and spatial information, amino acid conservation, physicochemical variation, residue mobility, and thermodynamic stability) performed at Invitae indicates that this missense variant is not expected to disrupt TSC2 protein function. ClinVar contains an entry for this variant (Variation ID: 1418592). This variant has not been reported in the literature in individuals affected with TSC2-related conditions. This variant is not present in population databases (gnomAD no frequency). This sequence change replaces proline, which is neutral and non-polar, with serine, which is neutral and polar, at codon 727 of the TSC2 protein (p.Pro727Ser).

Ambry Genetics
Classification: Uncertain significance for Hereditary cancer-predisposing syndrome. Last evaluated: 2022-03-28. Review status: criteria provided, single submitter. Criteria: Ambry Variant Classification Scheme 2023. Collection method: clinical testing. Allele origin: germline.
Comment: The p.P727S variant (also known as c.2179C>T), located in coding exon 19 of the TSC2 gene, results from a C to T substitution at nucleotide position 2179. The proline at codon 727 is replaced by serine, an amino acid with similar properties. This amino acid position is well conserved in available vertebrate species. In addition, the in silico prediction for this alteration is inconclusive. Since supporting evidence is limited at this time, the clinical significance of this alteration remains unclear.

NM_000548.5(TSC2):c.2179C>T (p.Pro727Ser)

Gene: TSC2 (TSC complex subunit 2; plus strand). Cytogenetic location: 16p13.3.
Variant type: single nucleotide variant.
Coding change: c.2179C>T on transcript NM_000548.5 (MANE Select); coding-DNA position 2179, C replaced by T.
Protein change: p.Pro727Ser; replaces proline 727 with serine.
Molecular consequence: missense variant.
Genome position (GRCh38, 1-based): chr16:2,072,322, C>T. VCF-style: chr16-2072322-C-T. GRCh37 (hg19) VCF-style: chr16-2122323-C-T.
Other names: c.2179C>T, p.Pro727Ser (NM_001077183.3, NM_001114382.3, NM_001363528.2 and 3 more transcripts); c.2068C>T, p.Pro690Ser (NM_001318827.2); c.2032C>T, p.Pro678Ser (NM_001318829.2); c.1579C>T, p.Pro527Ser (NM_001318831.2); c.2212C>T, p.Pro738Ser (NM_001318832.2); short protein forms P727S, P678S, P690S, P738S, P527S.
Identifiers: ClinVar variation 1418592 (VCV001418592.10), dbSNP rs2151318416, ClinGen allele CA394274947.